The following is an entry in ClinVar:

ClinVar aggregate classification (germline): Uncertain significance. Review status: criteria provided, multiple submitters, no conflicts (2 of 4 stars). 3 submissions from 3 submitters: Uncertain significance (3). Last evaluated 2023-04-11.

Conditions:
Cobalamin C disease. Also called: methylmalonic aciduria and homocystinuria type cblC; Methylmalonic aciduria with homocystinuria cblC type; Cobalamin-C methylmalonic acidemia and homocystinuria; Methylmalonic acidemia and homocystinuria cblC type; Methylmalonic aciduria and homocystinuria, Vitamin B12-responsive; Vitamin B12 metabolic defect with combined deficiency of methylmalonyl-CoA mutase and homocysteine:methyltetrahydrofolate methyltransferase. Identifiers: Orphanet 26, Orphanet 79282, MedGen C1848561, MONDO:0010184, OMIM 277400.

Submissions (3):

Genome-Nilou Lab
Classification: Uncertain significance for Cobalamin C disease. Last evaluated: 2023-04-11. Review status: criteria provided, single submitter. Criteria: ACMG Guidelines, 2015. Collection method: clinical testing. Allele origin: germline. Affected: no.

Fulgent Genetics
Classification: Uncertain significance for Cobalamin C disease. Last evaluated: 2021-12-21. Review status: criteria provided, single submitter. Criteria: ACMG Guidelines, 2015. Collection method: clinical testing. Allele origin: unknown.

GeneDx
Classification: Uncertain significance. Last evaluated: 2019-11-15. Review status: criteria provided, single submitter. Criteria: GeneDx Variant Classification Process June 2021. Collection method: clinical testing. Allele origin: germline. Affected: yes.
Comment: Not observed in large population cohorts (Lek et al., 2016); In-frame deletion of 1 amino acid and insertion of 4 amino acids in a non-repeat region; Has not been previously published as pathogenic or benign to our knowledge

NM_015506.3(MMACHC):c.327_329delinsATTGCTGACTAC (p.Asn110delinsLeuLeuThrThr)

Gene: MMACHC (metabolism of cobalamin associated C; plus strand). Cytogenetic location: 1p34.1.
Variant type: Indel.
Coding change: c.327_329delinsATTGCTGACTAC on transcript NM_015506.3 (MANE Select); coding-DNA positions 327 to 329, CAA replaced by ATTGCTGACTAC.
Protein change: p.Asn110delinsLeuLeuThrThr.
Molecular consequence: inframe indel.
Genome position (GRCh38, 1-based): chr1:45,508,262-45,508,264, CAA replaced by ATTGCTGACTAC. VCF-style: chr1-45508262-CAA-ATTGCTGACTAC. GRCh37 (hg19) VCF-style: chr1-45973934-CAA-ATTGCTGACTAC.
Other names: c.156_158delinsATTGCTGACTAC, p.Asn53delinsLeuLeuThrThr (NM_001330540.2).
Identifiers: ClinVar variation 1304703 (VCV001304703.4), dbSNP rs2149323547, ClinGen allele CA2573051583.
Genomic context (GRCh38, chr1:45,508,262, plus strand): 5'-ACTGTTCCAGAGCCTCCCAGAGCTGCAGATAGAAATCATTGCTGACTACGAGGTGCACCC[CAA>ATTGCTGACTAC]CCGACGCCCCAAGATCCTGGCCCAGACAGCAGCCCATGTAGCTGGGGCTGCTTACTACTA-3'